The following is an entry in ClinVar:

NM_003995.4(NPR2):c.788G>C (p.Arg263Pro)

Gene: NPR2 (natriuretic peptide receptor 2; plus strand). Cytogenetic location: 9p13.3.
Variant type: single nucleotide variant.
Coding change: c.788G>C on transcript NM_003995.4 (MANE Select); coding-DNA position 788, G replaced by C.
Protein change: p.Arg263Pro; replaces arginine 263 with proline.
Molecular consequence: missense variant.
Genome position (GRCh38, 1-based): chr9:35,794,018, G>C. VCF-style: chr9-35794018-G-C. GRCh37 (hg19) VCF-style: chr9-35794015-G-C.
Other names: c.788G>C, p.Arg263Pro (NM_001378923.1); short protein forms R263P.
Identifiers: ClinVar variation 208358 (VCV000208358.9), dbSNP rs139036657, ClinGen allele CA204430.

ClinVar aggregate classification (germline): Uncertain significance. Review status: criteria provided, single submitter (1 of 4 stars). 2 submissions from 2 submitters: Uncertain significance (1). 1 of the submissions does not count toward it. Last evaluated 2022-05-16.

Conditions:
Acromesomelic dysplasia 1, Maroteaux type (AMD1). Also called: ST. HELENA DYSPLASIA; ACROMESOMELIC DYSPLASIA 1. Identifiers: Orphanet 40, MedGen C1864356, MONDO:0011275, OMIM 602875.
Tall stature-scoliosis-macrodactyly of the great toes syndrome. Also called: Epiphyseal chondrodysplasia, miura type. Identifiers: Orphanet 329191, MedGen C4014690, MONDO:0014401, OMIM 615923.
Short stature with nonspecific skeletal abnormalities. Identifiers: MedGen C4225399, MONDO:0975810.

gnomAD v4.1: 1 of 1,614,056 alleles (0.000062%); highest among the groups gnomAD compares: East Asian, 0.0022%; no homozygotes.

Submissions (2):

Labcorp Genetics (formerly Invitae), Labcorp
Classification: Uncertain significance for Tall stature-scoliosis-macrodactyly of the great toes syndrome; Acromesomelic dysplasia 1, Maroteaux type. Last evaluated: 2022-05-16. Review status: criteria provided, single submitter. Criteria: Invitae Variant Classification Sherloc (09022015). Collection method: clinical testing. Allele origin: germline.
Comment: In summary, the available evidence is currently insufficient to determine the role of this variant in disease. Therefore, it has been classified as a Variant of Uncertain Significance. Experimental studies have shown that this missense change affects NPR2 function (PMID: 24001744). Algorithms developed to predict the effect of missense changes on protein structure and function are either unavailable or do not agree on the potential impact of this missense change (SIFT: "Deleterious"; PolyPhen-2: "Benign"; Align-GVGD: "Class C65"). ClinVar contains an entry for this variant (Variation ID: 208358). This missense change has been observed in individual(s) with short stature (PMID: 24001744). It has also been observed to segregate with disease in related individuals. This variant is present in population databases (no rsID available, gnomAD 0.06%). This sequence change replaces arginine, which is basic and polar, with proline, which is neutral and non-polar, at codon 263 of the NPR2 protein (p.Arg263Pro).

OMIM
Classification: Pathogenic for SHORT STATURE WITH NONSPECIFIC SKELETAL ABNORMALITIES 1. Last evaluated: 2013-10-01. Review status: no assertion criteria provided. Collection method: literature only. Allele origin: germline. Not counted in ClinVar's aggregate classification.

Literature cited by the submitters: PubMed 24001744 (cited by Labcorp Genetics (formerly Invitae), Labcorp and OMIM).